The following is an entry in ClinVar:

NM_017617.5(NOTCH1):c.708G>T (p.Thr236=)

Gene: NOTCH1 (notch receptor 1; minus strand). Cytogenetic location: 9q34.3.
Variant type: single nucleotide variant.
Coding change: c.708G>T on transcript NM_017617.5 (MANE Select); coding-DNA position 708, G replaced by T.
Protein change: p.Thr236=; no amino-acid change (threonine 236 retained).
Molecular consequence: synonymous variant.
Genome position (GRCh38, 1-based): chr9:136,522,884, C>A on the plus strand (G>T on the coding strand, the complement: NOTCH1 is on the minus strand). VCF-style: chr9-136522884-C-A. GRCh37 (hg19) VCF-style: chr9-139417336-C-A.
Identifiers: ClinVar variation 5040974 (VCV005040974.1).

ClinVar aggregate classification (germline): Likely benign (1 of 4 stars; one submission).

Submission:

CeGaT Center for Human Genetics Tuebingen
Classification: Likely benign. Last evaluated: 2026-09-01. Review status: criteria provided, single submitter. Criteria: CeGaT Center For Human Genetics Tuebingen Variant Classification Criteria Version 2. Collection method: clinical testing. Allele origin: germline. Affected: yes. Observed: 1 variant allele.
Comment: NOTCH1: PM2:Supporting, BP4, BP7